The following is an entry in ClinVar:

ClinVar aggregate classification (germline): Likely benign. Review status: criteria provided, single submitter (1 of 4 stars). 2 submissions from 2 submitters: Likely benign (1). 1 of the submissions does not count toward it. Last evaluated 2025-10-03.

Conditions:
ARSA-related disorder. Also called: ARSA-related condition.
Metachromatic leukodystrophy (MLD). Also called: ARSA DEFICIENCY; Cerebral sclerosis diffuse metachromatic form; CEREBROSIDE SULFATASE DEFICIENCY; METACHROMATIC LEUKOENCEPHALOPATHY; Arylsulfatase A Deficiency; SULFATIDE LIPIDOSIS. Identifiers: Orphanet 512, MedGen C0023522, MONDO:0018868, OMIM 250100.

Allele frequency attached by ClinVar (database versions not stated): gnomAD exomes 0.00002.
gnomAD v4.1: 28 of 1,553,080 alleles (0.0018%); highest among the groups gnomAD compares: Non-Finnish European, 0.0024%; no homozygotes.

Submissions (2):

Labcorp Genetics (formerly Invitae), Labcorp
Classification: Likely benign for Metachromatic leukodystrophy. Last evaluated: 2025-10-03. Review status: criteria provided, single submitter. Criteria: Invitae Variant Classification Sherloc (09022015). Collection method: clinical testing. Allele origin: germline.

PreventionGenetics, part of Exact Sciences
Classification: Likely benign for ARSA-related condition. Last evaluated: 2021-02-16. Review status: no assertion criteria provided. Collection method: clinical testing. Allele origin: germline. Not counted in ClinVar's aggregate classification.
Comment: This variant is classified as likely benign based on ACMG/AMP sequence variant interpretation guidelines (Richards et al. 2015 PMID: 25741868, with internal and published modifications).

NM_000487.6(ARSA):c.54C>T (p.Ala18=)

Gene: ARSA (arylsulfatase A; minus strand). Cytogenetic location: 22q13.33.
Variant type: single nucleotide variant.
Coding change: c.54C>T on transcript NM_000487.6 (MANE Select); coding-DNA position 54, C replaced by T.
Protein change: p.Ala18=; no amino-acid change (alanine 18 retained).
Molecular consequence: synonymous variant. On other transcripts: intron variant (2).
Genome position (GRCh38, 1-based): chr22:50,627,726, G>A on the plus strand (C>T on the coding strand, the complement: ARSA is on the minus strand). VCF-style: chr22-50627726-G-A. GRCh37 (hg19) VCF-style: chr22-51066154-G-A.
Other names: c.54C>T (NM_000487.5); c.54C>T, p.Ala18= (NM_001085425.3, NM_001085426.3, NM_001085427.3); c.-35+265C>T (NM_001362782.2); c.-35+220C>T (NM_001085428.3).
Identifiers: ClinVar variation 1091493 (VCV001091493.11), dbSNP rs2146728830, ClinGen allele CA515249095.